The following is an entry in ClinVar:

NM_004655.4(AXIN2):c.244T>G (p.Leu82Val)

Gene: AXIN2 (axin 2; minus strand). Cytogenetic location: 17q24.1.
Variant type: single nucleotide variant.
Coding change: c.244T>G on transcript NM_004655.4 (MANE Select); coding-DNA position 244, T replaced by G.
Protein change: p.Leu82Val; replaces leucine 82 with valine.
Molecular consequence: missense variant.
Genome position (GRCh38, 1-based): chr17:65,558,377, A>C on the plus strand (T>G on the coding strand, the complement: AXIN2 is on the minus strand). VCF-style: chr17-65558377-A-C. GRCh37 (hg19) VCF-style: chr17-63554495-A-C.
Other names: c.244T>G (LRG_296t1); c.244T>G, p.Leu82Val (NM_001363813.1); short protein forms L82V.
Identifiers: ClinVar variation 659758 (VCV000659758.10), dbSNP rs1598120043, ClinGen allele CA400681827.
Genomic context (GRCh38, chr17:65,558,377, plus strand): 5'-CCCTCTCCAGGAAAGTTCGGAACAGGTAAGCACCGTCTTGATCGCCCAATAAGGAGTGTA[A>C]GGACTTGGTCCACCGGGTCAGAGGGGAATCCGGAGATGCCCGCCCCTCCGGCTCCCCCAA-3'
Protein context (NP_004646.3, residues 72-92): DSPLTRWTKS[Leu82Val]HSLLGDQDGA

ClinVar aggregate classification (germline): Uncertain significance. Review status: criteria provided, multiple submitters, no conflicts (2 of 4 stars). 2 submissions from 2 submitters: Uncertain significance (2). Last evaluated 2023-04-23.

Conditions:
Hereditary cancer-predisposing syndrome. Also called: Hereditary neoplastic syndrome; Neoplastic Syndromes, Hereditary; Hereditary Cancer Syndrome; Tumor predisposition. Identifiers: Orphanet 140162, MedGen C0027672, MeSH D009386, MONDO:0015356.
Oligodontia-cancer predisposition syndrome. Also called: TOOTH AGENESIS-COLORECTAL CANCER SYNDROME. Identifiers: Orphanet 300576, MedGen C1837750, MONDO:0012075, OMIM 608615. Disease mechanism: loss of function.

Submissions (2):

Ambry Genetics
Classification: Uncertain significance for Hereditary cancer-predisposing syndrome. Last evaluated: 2023-04-23. Review status: criteria provided, single submitter. Criteria: Ambry Variant Classification Scheme 2023. Collection method: clinical testing. Allele origin: germline.
Comment: The p.L82V variant (also known as c.244T>G), located in coding exon 1 of the AXIN2 gene, results from a T to G substitution at nucleotide position 244. The leucine at codon 82 is replaced by valine, an amino acid with highly similar properties. This amino acid position is conserved. In addition, the in silico prediction for this alteration is inconclusive. Since supporting evidence is limited at this time, the clinical significance of this alteration remains unclear.

Labcorp Genetics (formerly Invitae), Labcorp
Classification: Uncertain significance for Oligodontia-cancer predisposition syndrome. Last evaluated: 2020-04-06. Review status: criteria provided, single submitter. Criteria: Invitae Variant Classification Sherloc (09022015). Collection method: clinical testing. Allele origin: germline.
Comment: In summary, the available evidence is currently insufficient to determine the role of this variant in disease. Therefore, it has been classified as a Variant of Uncertain Significance. Algorithms developed to predict the effect of missense changes on protein structure and function (SIFT, PolyPhen-2, Align-GVGD) all suggest that this variant is likely to be disruptive, but these predictions have not been confirmed by published functional studies and their clinical significance is uncertain. This variant has not been reported in the literature in individuals with AXIN2-related disease. This variant is not present in population databases (ExAC no frequency). This sequence change replaces leucine with valine at codon 82 of the AXIN2 protein (p.Leu82Val). The leucine residue is highly conserved and there is a small physicochemical difference between leucine and valine.